The following is an entry in ClinVar:

NM_001354483.2(CSGALNACT1):c.830G>A (p.Arg277Gln)

Gene: CSGALNACT1 (chondroitin sulfate N-acetylgalactosaminyltransferase 1; minus strand). Cytogenetic location: 8p21.3.
Variant type: single nucleotide variant.
Coding change: c.830G>A on transcript NM_001354483.2 (MANE Select); coding-DNA position 830, G replaced by A.
Protein change: p.Arg277Gln; replaces arginine 277 with glutamine.
Molecular consequence: missense variant. On other transcripts: non-coding transcript variant (7).
Genome position (GRCh38, 1-based): chr8:19,458,447, C>T on the plus strand (G>A on the coding strand, the complement: CSGALNACT1 is on the minus strand). VCF-style: chr8-19458447-C-T. GRCh37 (hg19) VCF-style: chr8-19315958-C-T.
Other names: c.830G>A, p.Arg277Gln (NM_001130518.2, NM_001354475.2, NM_001354476.2 and 18 more transcripts); c.830G>A (NM_001130518.1); short protein forms R277Q.
Identifiers: ClinVar variation 2169938 (VCV002169938.3), dbSNP rs35454485, ClinGen allele CA4654101.

ClinVar aggregate classification (germline): Uncertain significance. Review status: criteria provided, multiple submitters, no conflicts (2 of 4 stars). 2 submissions from 2 submitters: Uncertain significance (2). Last evaluated 2022-09-29.

Conditions:
Inborn genetic diseases. Identifiers: MedGen C0950123, MeSH D030342.

Allele frequency attached by ClinVar (database versions not stated): ExAC 0.00002; gnomAD 0.00006; gnomAD exomes 0.00011.
gnomAD v4.1: 164 of 1,613,968 alleles (0.01%); highest among the groups gnomAD compares: Admixed American, 0.013%; no homozygotes.

Submissions (2):

Labcorp Genetics (formerly Invitae), Labcorp
Classification: Uncertain significance. Last evaluated: 2022-09-29. Review status: criteria provided, single submitter. Criteria: Invitae Variant Classification Sherloc (09022015). Collection method: clinical testing. Allele origin: germline.
Comment: In summary, the available evidence is currently insufficient to determine the role of this variant in disease. Therefore, it has been classified as a Variant of Uncertain Significance. Advanced modeling of protein sequence and biophysical properties (such as structural, functional, and spatial information, amino acid conservation, physicochemical variation, residue mobility, and thermodynamic stability) performed at Invitae indicates that this missense variant is not expected to disrupt CSGALNACT1 protein function. This variant has not been reported in the literature in individuals affected with CSGALNACT1-related conditions. This variant is present in population databases (rs35454485, gnomAD 0.01%). This sequence change replaces arginine, which is basic and polar, with glutamine, which is neutral and polar, at codon 277 of the CSGALNACT1 protein (p.Arg277Gln).

Ambry Genetics
Classification: Uncertain significance for Inborn genetic diseases. Last evaluated: 2021-07-09. Review status: criteria provided, single submitter. Criteria: Ambry Variant Classification Scheme 2023. Collection method: clinical testing. Allele origin: germline.